The following is an entry in ClinVar:

NM_000368.5(TSC1):c.2554C>T (p.Leu852=)

Gene: TSC1 (TSC complex subunit 1; minus strand). Cytogenetic location: 9q34.13.
Variant type: single nucleotide variant.
Coding change: c.2554C>T on transcript NM_000368.5 (MANE Select); coding-DNA position 2554, C replaced by T.
Protein change: p.Leu852=; no amino-acid change (leucine 852 retained).
Molecular consequence: synonymous variant. On other transcripts: non-coding transcript variant (5).
Genome position (GRCh38, 1-based): chr9:132,900,786, G>A on the plus strand (C>T on the coding strand, the complement: TSC1 is on the minus strand). VCF-style: chr9-132900786-G-A. GRCh37 (hg19) VCF-style: chr9-135776173-G-A.
Other names: c.2551C>T, p.Leu851= (NM_001406599.1, NM_001406598.1, NM_001406597.1 and 2 more transcripts); c.2554C>T, p.Leu852= (NM_001406594.1, NM_001406595.1, NM_001406592.1 and 2 more transcripts); c.2512C>T, p.Leu838= (NM_001406605.1, NM_001406606.1, NM_001406607.1); c.2539C>T, p.Leu847= (NM_001406602.1, NM_001406601.1); c.2536C>T, p.Leu846= (NM_001406604.1, NM_001406603.1); c.2509C>T, p.Leu837= (NM_001406608.1, NM_001406609.1); c.2398C>T, p.Leu800= (NM_001406611.1, NM_001406612.1); c.2401C>T, p.Leu801= (NM_001406610.1, NM_001162427.2); and 8 more.
Identifiers: ClinVar variation 4071076 (VCV004071076.1).

ClinVar aggregate classification (germline): Benign (1 of 4 stars; one submission).

Conditions:
Tuberous sclerosis 1 (TSC1). Identifiers: Orphanet 805, MedGen C1854465, MONDO:0008612, OMIM 191100.

Submission:

Myriad Genetics, Inc.
Classification: Benign for Tuberous sclerosis 1. Last evaluated: 2025-04-28. Review status: criteria provided, single submitter. Criteria: Myriad Autosomal Dominant, Autosomal Recessive and X-Linked Classification Criteria (2023). Collection method: clinical testing. Allele origin: unknown.
Comment: This variant is considered benign. This variant is a silent/synonymous amino acid change and it is not expected to impact splicing.